The following is an entry in ClinVar:

NM_000256.3(MYBPC3):c.226C>A (p.Gln76Lys)

Gene: MYBPC3 (myosin binding protein C3; minus strand). Cytogenetic location: 11p11.2.
Variant type: single nucleotide variant.
Coding change: c.226C>A on transcript NM_000256.3 (MANE Select); coding-DNA position 226, C replaced by A.
Protein change: p.Gln76Lys; replaces glutamine 76 with lysine.
Molecular consequence: missense variant.
Genome position (GRCh38, 1-based): chr11:47,351,305, G>T on the plus strand (C>A on the coding strand, the complement: MYBPC3 is on the minus strand). VCF-style: chr11-47351305-G-T. GRCh37 (hg19) VCF-style: chr11-47372856-G-T.
Other names: short protein forms Q76K.
Identifiers: ClinVar variation 4756667 (VCV004756667.1).

ClinVar aggregate classification (germline): Uncertain significance (1 of 4 stars; one submission).

Conditions:
Cardiomyopathy (CMYO). Also called: Cardiomyopathies. Identifiers: Orphanet 167848, MedGen C0878544, MONDO:0004994, HP:0001638. Inheritance: Various modes of inheritance.

Submission:

Color Diagnostics, LLC DBA Color Health
Classification: Uncertain significance for Cardiomyopathy. Last evaluated: 2025-07-08. Review status: criteria provided, single submitter. Criteria: ACMG Guidelines, 2015. Collection method: clinical testing. Allele origin: germline.
Comment: This missense variant replaces glutamine with lysine at codon 76 of the MYBPC3 protein. Computational prediction suggests that this variant may not impact protein structure and function. To our knowledge, functional studies have not been reported for this variant. This variant has not been reported in individuals affected with MYBPC3-related disorders in the literature. This variant has not been identified in the general population by the Genome Aggregation Database (gnomAD). The available evidence is insufficient to determine the role of this variant in disease conclusively. Therefore, this variant is classified as a Variant of Uncertain Significance.